The following is an entry in ClinVar:

ClinVar aggregate classification (germline): Pathogenic (1 of 4 stars; one submission).

Conditions:
Deficiency of steroid 11-beta-monooxygenase (CYP11B1). Also called: ADRENAL HYPERPLASIA, CONGENITAL, DUE TO STEROID 11-BETA-HYDROXYLASE DEFICIENCY; P450C11B1 DEFICIENCY; STEROID 11-BETA-HYDROXYLASE DEFICIENCY; ADRENAL HYPERPLASIA IV; Congenital adrenal hyperplasia due to 11-beta-hydroxylase deficiency; 11-BETA-HYDROXYLASE DEFICIENCY. Identifiers: Orphanet 90795, MedGen C0268292, MONDO:0008729, OMIM 202010. Disease mechanism: loss of function.

Submission:

Clinical Biochemistry Laboratory, Health Services Laboratory
Classification: Pathogenic for Deficiency of steroid 11-beta-monooxygenase. Last evaluated: 2023-11-20. Review status: criteria provided, single submitter. Criteria: ACMG Guidelines, 2015. Collection method: clinical testing. Allele origin: germline. Affected: yes.
Comment: ACMG:PVS1 PM2 PM3

NM_000497.4(CYP11B1):c.381_382dup (p.Gly128fs)

Gene: CYP11B1 (cytochrome P450 family 11 subfamily B member 1; minus strand). Cytogenetic location: 8q24.3.
Variant type: Microsatellite.
Coding change: c.381_382dup on transcript NM_000497.4 (MANE Select); coding-DNA positions 381 to 382, 2 bases duplicated (TG; older notation c.381_382dupTG).
Protein change: p.Gly128fs; shifts the reading frame from glycine 128.
Molecular consequence: frameshift variant.
Genome position (GRCh38, 1-based): chr8:142,879,045-142,879,046, CA duplicated on the plus strand (TG on the coding strand, the reverse complement: CYP11B1 is on the minus strand); duplicating any 2 consecutive bases within chr8:142,879,045-142,879,048 gives the same sequence; the c. name uses the placement nearest the transcript's 3' end. VCF-style (leftmost placement, unchanged base first): chr8-142879044-C-CCA. GRCh37 (hg19) VCF-style: chr8-143960460-C-CCA.
Other names: c.381_382dup, p.Gly128fs (NM_001026213.1); short protein forms G128fs.
Identifiers: ClinVar variation 2674652 (VCV002674652.1), dbSNP rs2488681030, ClinGen allele CA2741808825.